The following is an entry in ClinVar:

NM_000059.4(BRCA2):c.6734T>A (p.Leu2245Gln)

Gene: BRCA2 (BRCA2 DNA repair associated; plus strand). Cytogenetic location: 13q13.1.
Variant type: single nucleotide variant.
Coding change: c.6734T>A on transcript NM_000059.4 (MANE Select); coding-DNA position 6734, T replaced by A.
Protein change: p.Leu2245Gln; replaces leucine 2245 with glutamine.
Molecular consequence: missense variant.
Genome position (GRCh38, 1-based): chr13:32,341,089, T>A. VCF-style: chr13-32341089-T-A. GRCh37 (hg19) VCF-style: chr13-32915226-T-A.
Other names: short protein forms L2245Q.
Identifiers: ClinVar variation 434533 (VCV000434533.38), dbSNP rs772795886, ClinGen allele CA6940979.

ClinVar aggregate classification (germline): Conflicting classifications of pathogenicity. Review status: criteria provided, conflicting classifications (1 of 4 stars). 14 submissions from 14 submitters: Uncertain significance (9); Benign (1); Likely benign (4). Last evaluated 2025-12-29.

Conditions:
BRCA2-related disorder. Also called: BRCA2-related condition; BRCA2-related disorders. Identifiers: MedGen CN239275.
Hereditary cancer-predisposing syndrome. Also called: Hereditary Cancer Syndrome; Tumor predisposition; Hereditary neoplastic syndrome; Neoplastic Syndromes, Hereditary. Identifiers: Orphanet 140162, MedGen C0027672, MeSH D009386, MONDO:0015356.
Hereditary breast ovarian cancer syndrome. Also called: Hereditary breast and/or ovarian cancer syndrome; Breast and ovarian cancer; BRCA1- and BRCA2-Associated Hereditary Breast and Ovarian Cancer; Hereditary breast and ovarian cancer syndrome (HBOC); Hereditary breast and ovarian cancer syndrome; Hereditary breast and ovarian cancer. Identifiers: Orphanet 145, MedGen C0677776, MeSH D061325, MONDO:0003582. Disease mechanism: loss of function.
Breast-ovarian cancer, familial, susceptibility to, 2 (BROVCA2). Also called: BRCA2 Hereditary Breast and Ovarian Cancer. Identifiers: Orphanet 145, MedGen C2675520, MONDO:0012933, OMIM 612555. Disease mechanism: loss of function.

Allele frequency attached by ClinVar (database versions not stated): gnomAD exomes below 0.00001; ExAC 0.00001; gnomAD 0.00001; TOPMed 0.00001.
gnomAD v4.1: 2 of 1,613,866 alleles (0.00012%); highest among the groups gnomAD compares: Non-Finnish European, 0.00017%; no homozygotes.

Submissions (14):

Center for Genomic Medicine, Rigshospitalet, Copenhagen University Hospital
Classification: Likely benign. Last evaluated: 2025-12-29. Review status: criteria provided, single submitter. Criteria: ACMG Guidelines, 2015. Collection method: clinical testing. Allele origin: germline.
Comment: Classification criteria: BP1_strong

German Consortium for Hereditary Breast and Ovarian Cancer, University Hospital Cologne
Classification: Likely benign for Hereditary breast ovarian cancer syndrome. Last evaluated: 2025-12-09. Review status: criteria provided, single submitter. Criteria: ClinGen BRCA2 V1.1.0. Collection method: curation. Allele origin: germline.
Comment: This classification follows the ClinGen ENIGMA BRCA2 v1.1.0 classification scheme; We chose this criterion: BP1 (strong benign): outside a (potentially) clinically important functional domain AND no splicing predicted (spliceAI: 0.0)

Women's Health and Genetics/Laboratory Corporation of America, LabCorp
Classification: Uncertain significance. Last evaluated: 2025-06-20. Review status: criteria provided, single submitter. Criteria: LabCorp Variant Classification Summary - May 2015. Collection method: clinical testing. Allele origin: germline.

Labcorp Genetics (formerly Invitae), Labcorp
Classification: Uncertain significance for Hereditary breast ovarian cancer syndrome. Last evaluated: 2025-06-18. Review status: criteria provided, single submitter. Criteria: Invitae Variant Classification Sherloc (09022015). Collection method: clinical testing. Allele origin: germline.
Comment: This sequence change replaces leucine, which is neutral and non-polar, with glutamine, which is neutral and polar, at codon 2245 of the BRCA2 protein (p.Leu2245Gln). This variant is present in population databases (rs772795886, gnomAD 0.002%). This variant has not been reported in the literature in individuals affected with BRCA2-related conditions. ClinVar contains an entry for this variant (Variation ID: 434533). Invitae Evidence Modeling of protein sequence and biophysical properties (such as structural, functional, and spatial information, amino acid conservation, physicochemical variation, residue mobility, and thermodynamic stability) indicates that this missense variant is not expected to disrupt BRCA2 protein function with a negative predictive value of 95%. In summary, the available evidence is currently insufficient to determine the role of this variant in disease. Therefore, it has been classified as a Variant of Uncertain Significance.

PreventionGenetics, part of Exact Sciences
Classification: Uncertain significance for BRCA2-related condition. Last evaluated: 2025-04-24. Review status: criteria provided, single submitter. Criteria: ACMG Guidelines, 2015. Collection method: clinical testing. Allele origin: germline.
Comment: The BRCA2 c.6734T>A variant is predicted to result in the amino acid substitution p.Leu2245Gln. This variant has been reported in a breast cancer case-control study and found to be equally represented in both groups (Breast Cancer Association Consortium et al. 2021. PubMed ID: 33471991). This variant is reported in 0.0015% of alleles in individuals of European (Non-Finnish) descent in gnomAD and is interpreted as a variant of uncertain significance in ClinVar. This variant occurs within a region of the BRCA2 gene that is predicted to be tolerant to missense variation (Table 2, Dines et al. 2020. PubMed ID: 31911673). Although we suspect that this variant may be benign, the clinical significance of this variant is classified as uncertain at this time due to insufficient functional and genetic evidence

ARUP Laboratories, Molecular Genetics and Genomics, ARUP Laboratories
Classification: Likely benign. Last evaluated: 2025-01-13. Review status: criteria provided, single submitter. Criteria: ARUP Molecular Germline Variant Investigation Process 2024. Collection method: clinical testing. Allele origin: germline.

Ambry Genetics
Classification: Benign for Hereditary cancer-predisposing syndrome. Last evaluated: 2024-02-21. Review status: criteria provided, single submitter. Criteria: Ambry Variant Classification Scheme 2023. Collection method: clinical testing. Allele origin: germline.

All of Us Research Program, National Institutes of Health
Classification: Uncertain significance for Breast-ovarian cancer, familial, susceptibility to, 2. Last evaluated: 2023-11-02. Review status: criteria provided, single submitter. Criteria: ACMG Guidelines, 2015. Collection method: clinical testing. Allele origin: germline. Inheritance: Autosomal dominant inheritance. Observed: 1 variant allele, 1 heterozygote.
Comment: This missense variant replaces leucine with glutamine at codon 2245 of the BRCA2 protein. Computational prediction suggests that this variant may not impact protein structure and function (internally defined REVEL score threshold <= 0.5, PMID: 27666373). To our knowledge, functional studies have not been reported for this variant. This variant has been reported in a breast cancer case-control meta-analysis in 3/60463 cases and 3/53458 unaffected individuals (PMID: 33471991; Leiden Open Variation Database DB-ID BRCA2_008497). This variant has been identified in 2/282744 chromosomes in the general population by the Genome Aggregation Database (gnomAD). The available evidence is insufficient to determine the role of this variant in disease conclusively. Therefore, this variant is classified as a Variant of Uncertain Significance.

This study involves interpretation of variants in research participants for the purpose of population health screening. Participant phenotype was not available at the time of variant classification. Additional details can be found in publication PMID: 35346344, PMCID: PMC8962531

Color Diagnostics, LLC DBA Color Health
Classification: Uncertain significance for Hereditary cancer-predisposing syndrome. Last evaluated: 2023-10-12. Review status: criteria provided, single submitter. Criteria: ACMG Guidelines, 2015. Collection method: clinical testing. Allele origin: germline.
Comment: This missense variant replaces leucine with glutamine at codon 2245 of the BRCA2 protein. Computational prediction suggests that this variant may not impact protein structure and function (internally defined REVEL score threshold <= 0.5, PMID: 27666373). To our knowledge, functional studies have not been reported for this variant. This variant has been reported in a breast cancer case-control meta-analysis in 3/60463 cases and 3/53458 unaffected individuals (PMID: 33471991; Leiden Open Variation Database DB-ID BRCA2_008497). This variant has been identified in 2/282744 chromosomes in the general population by the Genome Aggregation Database (gnomAD). The available evidence is insufficient to determine the role of this variant in disease conclusively. Therefore, this variant is classified as a Variant of Uncertain Significance.

Quest Diagnostics Nichols Institute San Juan Capistrano
Classification: Uncertain significance. Last evaluated: 2023-05-02. Review status: criteria provided, single submitter. Criteria: Quest Diagnostics criteria. Collection method: clinical testing. Allele origin: unknown.
Comment: The frequency of this variant in the general population, 0.0000071 (2/282744 chromosomes), is uninformative in assessment of its pathogenicity. In a large case-control study, the variant has been reported in individuals with breast cancer as well as in unaffected controls (PMID: 33471991 (2021)). Analysis of this variant using bioinformatics tools for the prediction of the effect of amino acid changes on protein structure and function yielded predictions that this variant is benign. Based on the available information, we are unable to determine the clinical significance of this variant.

University of Washington Department of Laboratory Medicine, University of Washington
Classification: Likely benign for Hereditary cancer-predisposing syndrome. Last evaluated: 2023-03-23. Review status: criteria provided, single submitter. Criteria: Dines et al. (Genet Med. 2020). Collection method: curation. Allele origin: germline.
Comment: Missense variant in a coldspot region where missense variants are very unlikely to be pathogenic (PMID:31911673).

BRCA2 exon 11 coldspot. Reclassification based on statistical prior probability.

Sema4
Classification: Uncertain significance for Hereditary cancer-predisposing syndrome. Last evaluated: 2022-02-15. Review status: criteria provided, single submitter. Criteria: Sema4 Curation Guidelines. Collection method: curation. Allele origin: germline.
Comment: The BRCA2 c.6734T>A (p.L2245Q) variant has been reported in a large case-control study of breast cancer in 3/60466 cases and 3/53461 controls (PMID: 33471991). It was observed in 2/129092 chromosomes of the European (non-Finnish) subpopulation, in the large and broad cohorts of the Genome Aggregation Database (PMID: 32461654). This variant has been reported in ClinVar (Variation ID 434533). Functional studies have not been performed, and in silico predictions of the variant's effect on protein function are inconclusive. The evidence is insufficient to meet ACMG/AMP criteria for classifying the variant as benign or pathogenic. Thus, the clinical significance of this variant is currently uncertain.

GeneDx
Classification: Uncertain significance. Last evaluated: 2019-04-12. Review status: criteria provided, single submitter. Criteria: GeneDx Variant Classification Process June 2021. Collection method: clinical testing. Allele origin: germline. Affected: yes.
Comment: Not observed at a significant frequency in large population cohorts (Lek et al., 2016); Has not been previously published as pathogenic or benign to our knowledge

Genetic Services Laboratory, University of Chicago
Classification: Uncertain significance. Last evaluated: 2016-08-26. Review status: criteria provided, single submitter. Criteria: ACMG Guidelines, 2015. Collection method: clinical testing. Allele origin: germline. Affected: no.

Literature cited by the submitters: PubMed 33471991 (cited by 4 submitters); PubMed 31911673 (cited by Quest Diagnostics Nichols Institute San Juan Capistrano).